The following is an entry in ClinVar:

ClinVar aggregate classification (germline): Uncertain significance (1 of 4 stars; one submission).

Allele frequency attached by ClinVar (database versions not stated): TOPMed 0.00004; gnomAD exomes 0.00001; ExAC 0.00006.
gnomAD v4.1: 16 of 1,444,778 alleles (0.0011%); highest among the groups gnomAD compares: Admixed American, 0.035%; no homozygotes.

Submission:

Labcorp Genetics (formerly Invitae), Labcorp
Classification: Uncertain significance. Last evaluated: 2025-02-06. Review status: criteria provided, single submitter. Criteria: Invitae Variant Classification Sherloc (09022015). Collection method: clinical testing. Allele origin: germline.
Comment: This sequence change falls in intron 3 of the IFT57 gene. It does not directly change the encoded amino acid sequence of the IFT57 protein. It affects a nucleotide within the consensus splice site. This variant is present in population databases (rs781565890, gnomAD 0.07%), and has an allele count higher than expected for a pathogenic variant. This variant has not been reported in the literature in individuals affected with IFT57-related conditions. ClinVar contains an entry for this variant (Variation ID: 2904533). Variants that disrupt the consensus splice site are a relatively common cause of aberrant splicing (PMID: 17576681, 9536098). Algorithms developed to predict the effect of sequence changes on RNA splicing suggest that this variant is not likely to affect RNA splicing. In summary, the available evidence is currently insufficient to determine the role of this variant in disease. Therefore, it has been classified as a Variant of Uncertain Significance.

Literature cited by the submitters: PubMed 17576681; PubMed 9536098.

NM_018010.4(IFT57):c.494+5A>C

Gene: IFT57 (intraflagellar transport 57; minus strand). Cytogenetic location: 3q13.13.
Variant type: single nucleotide variant.
Coding change: c.494+5A>C on transcript NM_018010.4 (MANE Select); 5 bases into the intron after coding-DNA position 494, A replaced by C.
Molecular consequence: intron variant.
Genome position (GRCh38, 1-based): chr3:108,218,530, T>G on the plus strand (A>C on the coding strand, the complement: IFT57 is on the minus strand). VCF-style: chr3-108218530-T-G. GRCh37 (hg19) VCF-style: chr3-107937377-T-G.
Identifiers: ClinVar variation 2904533 (VCV002904533.3), dbSNP rs781565890, ClinGen allele CA2526699.